The following is an entry in ClinVar:

ClinVar aggregate classification (germline): Uncertain significance. Review status: criteria provided, multiple submitters, no conflicts (2 of 4 stars). 2 submissions from 2 submitters: Uncertain significance (2). Last evaluated 2026-04-30.

Allele frequency attached by ClinVar (database versions not stated): gnomAD exomes 0.00001.
gnomAD v4.1: 8 of 1,614,096 alleles (0.0005%); highest among the groups gnomAD compares: East Asian, 0.0022%; no homozygotes.

Submissions (2):

Ambry Genetics
Classification: Uncertain significance. Last evaluated: 2026-04-30. Review status: criteria provided, single submitter. Criteria: Ambry Variant Classification Scheme 2023. Collection method: clinical testing. Allele origin: germline.
Comment: The c.1580C>T (p.A527V) alteration is located in exon 16 (coding exon 16) of the CLCN6 gene. This alteration results from a C to T substitution at nucleotide position 1580, causing the alanine (A) at amino acid position 527 to be replaced by a valine (V). Based on data from gnomAD, the T allele has an overall frequency of <0.001% (1/251336) total alleles studied. The highest observed frequency was 0.003% (1/34584) of Latino alleles. Based on insufficient or conflicting evidence, the clinical significance of this alteration remains unclear.

Labcorp Genetics (formerly Invitae), Labcorp
Classification: Uncertain significance. Last evaluated: 2025-02-28. Review status: criteria provided, single submitter. Criteria: Invitae Variant Classification Sherloc (09022015). Collection method: clinical testing. Allele origin: germline.
Comment: This sequence change replaces alanine, which is neutral and non-polar, with valine, which is neutral and non-polar, at codon 527 of the CLCN6 protein (p.Ala527Val). This variant is present in population databases (no rsID available, gnomAD 0.003%). This variant has not been reported in the literature in individuals affected with CLCN6-related conditions. ClinVar contains an entry for this variant (Variation ID: 2910619). An algorithm developed to predict the effect of missense changes on protein structure and function (PolyPhen-2) suggests that this variant is likely to be disruptive. In summary, the available evidence is currently insufficient to determine the role of this variant in disease. Therefore, it has been classified as a Variant of Uncertain Significance.

NM_001286.5(CLCN6):c.1580C>T (p.Ala527Val)

Gene: CLCN6 (Cl-/H+ antiporter 6; plus strand). Cytogenetic location: 1p36.22.
Variant type: single nucleotide variant.
Coding change: c.1580C>T on transcript NM_001286.5 (MANE Select); coding-DNA position 1580, C replaced by T.
Protein change: p.Ala527Val; replaces alanine 527 with valine.
Molecular consequence: missense variant. On other transcripts: non-coding transcript variant (1).
Genome position (GRCh38, 1-based): chr1:11,834,289, C>T. VCF-style: chr1-11834289-C-T. GRCh37 (hg19) VCF-style: chr1-11894346-C-T.
Other names: c.1514C>T, p.Ala505Val (NM_001256959.2); c.1580C>T (NM_001286.2); short protein forms A527V, A505V.
Identifiers: ClinVar variation 2910619 (VCV002910619.4), dbSNP rs1344378491, ClinGen allele CA338435789.
Genomic context (GRCh38, chr1:11,834,289, plus strand): 5'-TCACTAGCTACATTGGATTGGGCCACATCTATTCGGGGACCTTTGCCCTGATTGGTGCAG[C>T]GGCTTTCTTGGGCGGGGTGGTCCGCATGACCATCAGCCTCACGGTCATCCTGATCGAGTC-3'
Protein context (NP_001277.2, residues 517-537): YSGTFALIGA[Ala527Val]AFLGGVVRMT